The following is an entry in ClinVar:

NM_006514.4(SCN10A):c.664G>C (p.Ala222Pro)

Gene: SCN10A (sodium voltage-gated channel alpha subunit 10; minus strand). Cytogenetic location: 3p22.2.
Variant type: single nucleotide variant.
Coding change: c.664G>C on transcript NM_006514.4 (MANE Select); coding-DNA position 664, G replaced by C.
Protein change: p.Ala222Pro; replaces alanine 222 with proline.
Molecular consequence: missense variant.
Genome position (GRCh38, 1-based): chr3:38,763,532, C>G on the plus strand (G>C on the coding strand, the complement: SCN10A is on the minus strand). VCF-style: chr3-38763532-C-G. GRCh37 (hg19) VCF-style: chr3-38805023-C-G.
Other names: c.664G>C, p.Ala222Pro (NM_001293306.2, NM_001293307.2); short protein forms A222P.
Identifiers: ClinVar variation 3602407 (VCV003602407.1).
Genomic context (GRCh38, chr3:38,763,532, plus strand): 5'-AAACCAACATATGCTCTGTGAATAAATGCTCACCTGGGATCACAGAAACTGTTTTTAATG[C>G]TCTAAGAACTCTGAATGTCCGCAGGCCTGAGATCCCACGGAGATCTATTGCTGTGCCAAC-3'
Protein context (NP_006505.4, residues 212-232): SGLRTFRVLR[Ala222Pro]LKTVSVIPGL

ClinVar aggregate classification (germline): Uncertain significance (1 of 4 stars; one submission).

Submission:

GeneDx
Classification: Uncertain significance. Last evaluated: 2024-07-29. Review status: criteria provided, single submitter. Criteria: GeneDx Variant Classification Process June 2021. Collection method: clinical testing. Allele origin: germline. Affected: yes.
Comment: Not observed at significant frequency in large population cohorts (gnomAD); In silico analysis supports that this missense variant has a deleterious effect on protein structure/function; Has not been previously published as pathogenic or benign to our knowledge